The following is an entry in ClinVar:

ClinVar aggregate classification (germline): Uncertain significance (1 of 4 stars; one submission).

gnomAD v4.1: 5 of 1,612,544 alleles (0.00031%); highest among the groups gnomAD compares: Admixed American, 0.0017%; no homozygotes.

Submission:

Labcorp Genetics (formerly Invitae), Labcorp
Classification: Uncertain significance. Last evaluated: 2024-04-19. Review status: criteria provided, single submitter. Criteria: Invitae Variant Classification Sherloc (09022015). Collection method: clinical testing. Allele origin: germline.
Comment: This sequence change replaces phenylalanine, which is neutral and non-polar, with leucine, which is neutral and non-polar, at codon 12 of the TBXA2R protein (p.Phe12Leu). This variant is present in population databases (rs760586162, gnomAD 0.003%). This variant has not been reported in the literature in individuals affected with TBXA2R-related conditions. Algorithms developed to predict the effect of missense changes on protein structure and function output the following: SIFT: "Not Available"; PolyPhen-2: "Benign"; Align-GVGD: "Not Available". The leucine amino acid residue is found in multiple mammalian species, which suggests that this missense change does not adversely affect protein function. In summary, the available evidence is currently insufficient to determine the role of this variant in disease. Therefore, it has been classified as a Variant of Uncertain Significance.

NM_001060.6(TBXA2R):c.36C>A (p.Phe12Leu)

Gene: TBXA2R (thromboxane A2 receptor; minus strand). Cytogenetic location: 19p13.3.
Variant type: single nucleotide variant.
Coding change: c.36C>A on transcript NM_001060.6 (MANE Select); coding-DNA position 36, C replaced by A.
Protein change: p.Phe12Leu; replaces phenylalanine 12 with leucine.
Molecular consequence: missense variant.
Genome position (GRCh38, 1-based): chr19:3,600,599, G>T on the plus strand (C>A on the coding strand, the complement: TBXA2R is on the minus strand). VCF-style: chr19-3600599-G-T. GRCh37 (hg19) VCF-style: chr19-3600597-G-T.
Other names: c.36C>A, p.Phe12Leu (NM_201636.3); short protein forms F12L.
Identifiers: ClinVar variation 3613032 (VCV003613032.2).